The following is an entry in ClinVar:

NM_080425.4(GNAS):c.1530C>T (p.Val510=)

Gene: GNAS (GNAS complex locus; plus strand). Cytogenetic location: 20q13.32.
Variant type: single nucleotide variant.
Coding change: c.1530C>T on transcript NM_080425.4 (MANE Plus Clinical); coding-DNA position 1530, C replaced by T.
Protein change: p.Val510=; no amino-acid change (valine 510 retained).
Molecular consequence: synonymous variant. On other transcripts: missense variant (2), intron variant (3).
Genome position (GRCh38, 1-based): chr20:58,854,795, C>T. VCF-style: chr20-58854795-C-T. GRCh37 (hg19) VCF-style: chr20-57429850-C-T.
Other names: c.1343C>T, p.Ser448Phe (NM_001077490.3, NM_001309883.1); c.1530C>T, p.Val510= (NM_001410913.1); c.*42+13909C>T (NM_016592.5); c.43+13909C>T (NM_001410912.1); c.-39+12920C>T (NM_001309861.2); short protein forms S448F.
Identifiers: ClinVar variation 2632226 (VCV002632226.3), dbSNP rs761190379, ClinGen allele CA9926704.

ClinVar aggregate classification (germline): Uncertain significance (1 of 4 stars; one submission).

Conditions:
GNAS-related disorder. Identifiers: MedGen CN380105.

Allele frequency attached by ClinVar (database versions not stated): gnomAD 0.00007; TOPMed 0.00009.

Submission:

PreventionGenetics, part of Exact Sciences
Classification: Uncertain significance for GNAS-related condition. Last evaluated: 2026-05-06. Review status: criteria provided, single submitter. Criteria: ACMG Guidelines, 2015. Collection method: clinical testing. Allele origin: germline.
Comment: The GNAS c.1343C>T variant is predicted to result in the amino acid substitution p.Ser448Phe. In the primary transcript (NM_000516.5), this variant is found within a non-coding region (c.-36932C>T). To our knowledge, this variant has not been reported in the literature. This variant is reported in 0.0099% of alleles in individuals of African descent in gnomAD. At this time, the clinical significance of this variant is uncertain due to the absence of conclusive functional and genetic evidence.